The following is an entry in ClinVar:

NM_023110.3(FGFR1):c.1844C>T (p.Ala615Val)

Gene: FGFR1 (fibroblast growth factor receptor 1; minus strand). Cytogenetic location: 8p11.23.
Variant type: single nucleotide variant.
Coding change: c.1844C>T on transcript NM_023110.3 (MANE Select); coding-DNA position 1844, C replaced by T.
Protein change: p.Ala615Val; replaces alanine 615 with valine.
Molecular consequence: missense variant.
Genome position (GRCh38, 1-based): chr8:38,415,880, G>A on the plus strand (C>T on the coding strand, the complement: FGFR1 is on the minus strand). VCF-style: chr8-38415880-G-A. GRCh37 (hg19) VCF-style: chr8-38273398-G-A.
Other names: c.1838C>T, p.Ala613Val (NM_001174063.2, NM_001174065.2, NM_001354367.2 and 1 more transcripts); c.1814C>T, p.Ala605Val (NM_001174064.2); c.1577C>T, p.Ala526Val (NM_001174066.2, NM_023105.3); c.1937C>T, p.Ala646Val (NM_001174067.2); c.1565C>T, p.Ala522Val (NM_001354368.2); c.1832C>T, p.Ala611Val (NM_001354369.2, NM_001410922.1); c.1571C>T, p.Ala524Val (NM_001354370.2, NM_023106.3); short protein forms A522V, A524V, A526V, A605V, A611V, A613V, A615V, A646V.
Identifiers: ClinVar variation 3756888 (VCV003756888.2).

ClinVar aggregate classification (germline): Uncertain significance (1 of 4 stars; one submission).

Conditions:
Hypogonadotropic hypogonadism 2 with or without anosmia (HH2). Also called: HYPOGONADOTROPIC HYPOGONADISM 2 WITH OR WITHOUT ANOSMIA, SUSCEPTIBILITY TO; HYPOGONADOTROPIC HYPOGONADISM 2 WITHOUT ANOSMIA, SUSCEPTIBILITY TO; FGFR1-Related GnRH Deficiency (Kallmann Syndrome 2); HYPOGONADOTROPIC HYPOGONADISM 2 WITHOUT ANOSMIA. Identifiers: Orphanet 478, MedGen C1563720, MONDO:0007844, OMIM 147950. Disease mechanism: loss of function.
Pfeiffer syndrome (ACS5). Also called: ACS V. Identifiers: Orphanet 710, MedGen C0220658, MONDO:0007043, OMIM 101600.

Submission:

Labcorp Genetics (formerly Invitae), Labcorp
Classification: Uncertain significance for Pfeiffer syndrome; Hypogonadotropic hypogonadism 2 with or without anosmia. Last evaluated: 2024-06-19. Review status: criteria provided, single submitter. Criteria: Invitae Variant Classification Sherloc (09022015). Collection method: clinical testing. Allele origin: germline.
Comment: This sequence change replaces alanine, which is neutral and non-polar, with valine, which is neutral and non-polar, at codon 615 of the FGFR1 protein (p.Ala615Val). This variant is not present in population databases (gnomAD no frequency). This variant has not been reported in the literature in individuals affected with FGFR1-related conditions. Advanced modeling of protein sequence and biophysical properties (such as structural, functional, and spatial information, amino acid conservation, physicochemical variation, residue mobility, and thermodynamic stability) has been performed at Invitae for this missense variant, however the output from this modeling did not meet the statistical confidence thresholds required to predict the impact of this variant on FGFR1 protein function. In summary, the available evidence is currently insufficient to determine the role of this variant in disease. Therefore, it has been classified as a Variant of Uncertain Significance.